The following is an entry in ClinVar:

NM_000297.4(PKD2):c.1521G>A (p.Trp507Ter)

Gene: PKD2 (polycystin 2, transient receptor potential cation channel; plus strand). Cytogenetic location: 4q22.1.
Variant type: single nucleotide variant.
Coding change: c.1521G>A on transcript NM_000297.4 (MANE Select); coding-DNA position 1521, G replaced by A.
Protein change: p.Trp507Ter; replaces tryptophan 507 with a stop codon.
Molecular consequence: nonsense. On other transcripts: non-coding transcript variant (1).
Genome position (GRCh38, 1-based): chr4:88,046,843, G>A. VCF-style: chr4-88046843-G-A. GRCh37 (hg19) VCF-style: chr4-88967995-G-A.
Other names: short protein forms W507*.
Identifiers: ClinVar variation 2203553 (VCV002203553.5), dbSNP rs747688660, ClinGen allele CA3003958.

ClinVar aggregate classification (germline): Pathogenic. Review status: criteria provided, multiple submitters, no conflicts (2 of 4 stars). 2 submissions from 2 submitters: Pathogenic (2). Last evaluated 2026-02-17.

Conditions:
Autosomal dominant polycystic kidney disease. Identifiers: Orphanet 730, MedGen C0085413, MONDO:0004691.
Polycystic kidney disease 2 (PKD2). Also called: Polycystic Kidney Disease 2, Autosomal Dominant; POLYCYSTIC KIDNEY DISEASE, ADULT, TYPE II; POLYCYSTIC KIDNEY DISEASE 2 WITH OR WITHOUT POLYCYSTIC LIVER DISEASE. Identifiers: MedGen C2751306, MONDO:0013131, OMIM 613095.

Allele frequency attached by ClinVar (database versions not stated): ExAC 0.00001.

Submissions (2):

Women's Health and Genetics/Laboratory Corporation of America, LabCorp
Classification: Pathogenic for Polycystic kidney disease 2. Last evaluated: 2026-02-17. Review status: criteria provided, single submitter. Criteria: LabCorp Variant Classification Summary - May 2015. Collection method: clinical testing. Allele origin: germline.
Comment: Variant summary: PKD2 c.1521G>A (p.Trp507X) results in a premature termination codon, predicted to cause a truncation of the encoded protein or absence of the protein due to nonsense mediated decay, which are commonly known mechanisms for disease. The frequency data for this variant in gnomAD is considered unreliable, as metrics indicate poor data quality at this position. c.1521G>A has been observed in individual(s) affected with Polycystic Kidney Disease 2 (e.g. Robinson_2012). To our knowledge, no experimental evidence demonstrating an impact on protein function has been reported. The following publication has been ascertained in the context of this evaluation (PMID: 22863349). ClinVar contains an entry for this variant (Variation ID: 2203553). Based on the evidence outlined above, the variant was classified as pathogenic.

Labcorp Genetics (formerly Invitae), Labcorp
Classification: Pathogenic for Autosomal dominant polycystic kidney disease. Last evaluated: 2022-06-24. Review status: criteria provided, single submitter. Criteria: Invitae Variant Classification Sherloc (09022015). Collection method: clinical testing. Allele origin: germline.
Comment: This premature translational stop signal has been observed in individual(s) with polycystic kidney disease (PMID: 22863349, 34101167). This sequence change creates a premature translational stop signal (p.Trp507*) in the PKD2 gene. It is expected to result in an absent or disrupted protein product. Loss-of-function variants in PKD2 are known to be pathogenic (PMID: 17582161, 22863349). This variant is not present in population databases (gnomAD no frequency). Algorithms developed to predict the effect of sequence changes on RNA splicing suggest that this variant may disrupt the consensus splice site. For these reasons, this variant has been classified as Pathogenic.

Literature cited by the submitters: PubMed 22863349 (cited by Women's Health and Genetics/Laboratory Corporation of America, LabCorp and Labcorp Genetics (formerly Invitae), Labcorp); PubMed 34101167 (cited by Labcorp Genetics (formerly Invitae), Labcorp); PubMed 17582161 (cited by Labcorp Genetics (formerly Invitae), Labcorp).